The following is an entry in ClinVar:

ClinVar aggregate classification (germline): Uncertain significance (1 of 4 stars; one submission).

Conditions:
Ataxia-telangiectasia syndrome (AT). Also called: Ataxia telangiectasia (A-T); Ataxia-telangiectasia, complementation group D; AT, COMPLEMENTATION GROUP C; ATAXIA-TELANGIECTASIA, COMPLEMENTATION GROUP A; Ataxia-telangiectasia, complementation group E; ATAXIA-TELANGIECTASIA, FRESNO VARIANT. Identifiers: Orphanet 100, MedGen C0004135, MONDO:0008840, OMIM 208900.

Submission:

Labcorp Genetics (formerly Invitae), Labcorp
Classification: Uncertain significance for Ataxia-telangiectasia syndrome. Last evaluated: 2018-03-08. Review status: criteria provided, single submitter. Criteria: Invitae Variant Classification Sherloc (09022015). Collection method: clinical testing. Allele origin: germline.
Comment: This sequence change replaces isoleucine with leucine at codon 420 of the ATM protein (p.Ile420Leu). The isoleucine residue is moderately conserved and there is a small physicochemical difference between isoleucine and leucine. In summary, the available evidence is currently insufficient to determine the role of this variant in disease. Therefore, it has been classified as a Variant of Uncertain Significance. Algorithms developed to predict the effect of missense changes on protein structure and function (SIFT, PolyPhen-2, Align-GVGD) all suggest that this variant is likely to be tolerated, but these predictions have not been confirmed by published functional studies and their clinical significance is uncertain. This variant has not been reported in the literature in individuals with ATM-related disease. This variant is not present in population databases (ExAC no frequency).

NM_000051.4(ATM):c.1258A>C (p.Ile420Leu)

Gene: ATM (ATM serine/threonine kinase; plus strand). Cytogenetic location: 11q22.3.
Variant type: single nucleotide variant.
Coding change: c.1258A>C on transcript NM_000051.4 (MANE Select); coding-DNA position 1258, A replaced by C.
Protein change: p.Ile420Leu; replaces isoleucine 420 with leucine.
Molecular consequence: missense variant.
Genome position (GRCh38, 1-based): chr11:108,250,723, A>C. VCF-style: chr11-108250723-A-C. GRCh37 (hg19) VCF-style: chr11-108121450-A-C.
Other names: c.1258A>C, p.Ile420Leu (NM_001351834.2); short protein forms I420L.
Identifiers: ClinVar variation 568735 (VCV000568735.8), dbSNP rs1565381867, ClinGen allele CA382533291.